The following is an entry in ClinVar:

NM_001166114.2(PNPLA6):c.1222C>T (p.Arg408Cys)

Gene: PNPLA6 (patatin like domain 6, lysophospholipase; plus strand). Cytogenetic location: 19p13.2.
Variant type: single nucleotide variant.
Coding change: c.1222C>T on transcript NM_001166114.2 (MANE Select); coding-DNA position 1222, C replaced by T.
Protein change: p.Arg408Cys; replaces arginine 408 with cysteine.
Molecular consequence: missense variant.
Genome position (GRCh38, 1-based): chr19:7,542,037, C>T. VCF-style: chr19-7542037-C-T. GRCh37 (hg19) VCF-style: chr19-7606923-C-T.
Other names: c.1249C>T, p.Arg417Cys (NM_001166111.2); c.1105C>T, p.Arg369Cys (NM_001166112.2, NM_001166113.1, NM_006702.5); short protein forms R369C, R408C, R417C.
Identifiers: ClinVar variation 1019428 (VCV001019428.5), dbSNP rs998008899, ClinGen allele CA304864899.

ClinVar aggregate classification (germline): Uncertain significance. Review status: criteria provided, multiple submitters, no conflicts (2 of 4 stars). 2 submissions from 2 submitters: Uncertain significance (2). Last evaluated 2022-07-05.

Conditions:
Hereditary spastic paraplegia 39 (SPG39). Also called: Spastic Paraplegia Type 39 (SPG39); SPASTIC PARAPLEGIA 39, AUTOSOMAL RECESSIVE. Identifiers: Orphanet 139480, MedGen C2677586, MONDO:0012787, OMIM 612020.

Allele frequency attached by ClinVar (database versions not stated): gnomAD exomes 0.00001 and 0.00002; TOPMed 0.00008; gnomAD 0.00011 and 0.00012.

Submissions (2):

Labcorp Genetics (formerly Invitae), Labcorp
Classification: Uncertain significance for Hereditary spastic paraplegia 39. Last evaluated: 2022-07-05. Review status: criteria provided, single submitter. Criteria: Invitae Variant Classification Sherloc (09022015). Collection method: clinical testing. Allele origin: germline.
Comment: This sequence change replaces arginine, which is basic and polar, with cysteine, which is neutral and slightly polar, at codon 369 of the PNPLA6 protein (p.Arg369Cys). This variant is present in population databases (no rsID available, gnomAD 0.03%). This variant has not been reported in the literature in individuals affected with PNPLA6-related conditions. ClinVar contains an entry for this variant (Variation ID: 1019428). Algorithms developed to predict the effect of missense changes on protein structure and function (SIFT, PolyPhen-2, Align-GVGD) all suggest that this variant is likely to be disruptive. In summary, the available evidence is currently insufficient to determine the role of this variant in disease. Therefore, it has been classified as a Variant of Uncertain Significance.

Blueprint Genetics
Classification: Uncertain significance. Last evaluated: 2018-07-11. Review status: criteria provided, single submitter. Criteria: ACMG Guidelines, 2015. Collection method: clinical testing. Allele origin: germline.